The following is an entry in ClinVar:

ClinVar aggregate classification (germline): Uncertain significance (1 of 4 stars; one submission).

Conditions:
Hereditary cancer-predisposing syndrome. Also called: Tumor predisposition; Hereditary neoplastic syndrome; Hereditary Cancer Syndrome; Neoplastic Syndromes, Hereditary. Identifiers: Orphanet 140162, MedGen C0027672, MeSH D009386, MONDO:0015356.

Submission:

Ambry Genetics
Classification: Uncertain significance for Hereditary cancer-predisposing syndrome. Last evaluated: 2023-12-22. Review status: criteria provided, single submitter. Criteria: Ambry Variant Classification Scheme 2023. Collection method: clinical testing. Allele origin: germline.
Comment: The c.3316_3318delTCT variant (also known as p.S1106del) is located in coding exon 16 of the BLM gene. This variant results from an in-frame TCT deletion at nucleotide positions 3316 to 3318. This results in the in-frame deletion of a serine at codon 1106. This amino acid position is not well conserved in available vertebrate species. In addition, this alteration is predicted to be neutral by in silico analysis (Choi Y et al. PLoS ONE. 2012; 7(10):e46688). Since supporting evidence is limited at this time, the clinical significance of this alteration remains unclear.

NM_000057.4(BLM):c.3316_3318del (p.Ser1106del)

Gene: BLM (BLM RecQ like helicase; plus strand). Cytogenetic location: 15q26.1.
Variant type: Deletion.
Coding change: c.3316_3318del on transcript NM_000057.4 (MANE Select); coding-DNA positions 3316 to 3318, 3 bases deleted (TCT; older notation c.3316_3318delTCT).
Protein change: p.Ser1106del; deletes serine 1106.
Molecular consequence: inframe deletion.
Genome position (GRCh38, 1-based): chr15:90,798,295-90,798,297, TCT deleted; deleting any 3 consecutive bases within chr15:90,798,293-90,798,297 gives the same sequence; the c. name uses the placement nearest the transcript's 3' end. VCF-style (leftmost placement, unchanged base first): chr15-90798292-CCTT-C. GRCh37 (hg19) VCF-style: chr15-91341522-CCTT-C.
Other names: c.3316_3318del, p.Ser1106del (NM_001287246.2, NM_001287247.2); c.2191_2193del, p.Ser731del (NM_001287248.2); short protein forms S1106del, S731del.
Identifiers: ClinVar variation 3224433 (VCV003224433.1), dbSNP rs1297841892, ClinGen allele CA717034705.
Genomic context (GRCh38, chr15:90,798,292, plus strand): 5'-GTAAGATTTGTTCAAGAACATAGTTCATCACAAGGAATGAGAAATATAAAACATGTAGGT[CCTT>C]CTGGAAGATTTACTATGAATATGCTGGTCGACATTTTCTTGGGTAAGTCATCTGTTTTGA-3'